The following is an entry in ClinVar:

ClinVar aggregate classification (germline): Likely benign (1 of 4 stars; one submission).

Submission:

CeGaT Center for Human Genetics Tuebingen
Classification: Likely benign. Last evaluated: 2025-02-01. Review status: criteria provided, single submitter. Criteria: CeGaT Center For Human Genetics Tuebingen Variant Classification Criteria Version 2. Collection method: clinical testing. Allele origin: germline. Affected: yes. Observed: 1 variant allele.
Comment: PCDHA11: BP4, BP7

NM_018902.5(PCDHA11):c.1590A>G (p.Leu530=)

Genes: PCDHA8 (protocadherin alpha 8; plus strand), PCDHA9 (protocadherin alpha 9; plus strand), PCDHA-AS1 (protocadherin alpha cluster antisense RNA 1; minus strand), PCDHA1 (protocadherin alpha 1; plus strand), PCDHA10 (protocadherin alpha 10; plus strand) and 8 more. Cytogenetic location: 5q31.3.
Variant type: single nucleotide variant.
Coding change: c.1590A>G on transcript NM_018902.5 (MANE Select); coding-DNA position 1590, A replaced by G.
Protein change: p.Leu530=; no amino-acid change (leucine 530 retained).
Molecular consequence: synonymous variant. On other transcripts: non-coding transcript variant (1), intron variant (13).
Genome position (GRCh38, 1-based): chr5:140,870,693, A>G. VCF-style: chr5-140870693-A-G. GRCh37 (hg19) VCF-style: chr5-140250278-A-G.
Other names: c.1590A>G, p.Leu530= (NM_031861.3); c.2394+82009A>G (NM_018900.4); c.1602+82801A>G (NM_031411.3); c.2388+73341A>G (NM_018905.3); c.2394+67102A>G (NM_018906.3); c.2385+61121A>G (NM_018907.4); c.2352+46566A>G (NM_018908.3); c.2394+40208A>G (NM_018909.4); and 6 more.
Identifiers: ClinVar variation 3778126 (VCV003778126.7).